The following is an entry in ClinVar:

NM_004523.4(KIF11):c.1258G>A (p.Val420Ile)

Gene: KIF11 (kinesin family member 11; plus strand). Cytogenetic location: 10q23.33.
Variant type: single nucleotide variant.
Coding change: c.1258G>A on transcript NM_004523.4 (MANE Select); coding-DNA position 1258, G replaced by A.
Protein change: p.Val420Ile; replaces valine 420 with isoleucine.
Molecular consequence: missense variant.
Genome position (GRCh38, 1-based): chr10:92,628,848, G>A. VCF-style: chr10-92628848-G-A. GRCh37 (hg19) VCF-style: chr10-94388605-G-A.
Other names: short protein forms V420I.
Identifiers: ClinVar variation 2802756 (VCV002802756.3), dbSNP rs1417258788, ClinGen allele CA377591451.

ClinVar aggregate classification (germline): Uncertain significance (1 of 4 stars; one submission).

Allele frequency attached by ClinVar (database versions not stated): TOPMed below 0.00001.
gnomAD v4.1: 2 of 1,604,794 alleles (0.00012%); highest among the groups gnomAD compares: Non-Finnish European, 0.00017%; no homozygotes.

Submission:

Labcorp Genetics (formerly Invitae), Labcorp
Classification: Uncertain significance. Last evaluated: 2024-03-09. Review status: criteria provided, single submitter. Criteria: Invitae Variant Classification Sherloc (09022015). Collection method: clinical testing. Allele origin: germline.
Comment: This sequence change replaces valine, which is neutral and non-polar, with isoleucine, which is neutral and non-polar, at codon 420 of the KIF11 protein (p.Val420Ile). This variant is not present in population databases (gnomAD no frequency). This variant has not been reported in the literature in individuals affected with KIF11-related conditions. Advanced modeling of protein sequence and biophysical properties (such as structural, functional, and spatial information, amino acid conservation, physicochemical variation, residue mobility, and thermodynamic stability) performed at Invitae indicates that this missense variant is not expected to disrupt KIF11 protein function with a negative predictive value of 80%. In summary, the available evidence is currently insufficient to determine the role of this variant in disease. Therefore, it has been classified as a Variant of Uncertain Significance.